The following is an entry in ClinVar:

ClinVar aggregate classification (germline): Uncertain significance (1 of 4 stars; one submission).

Conditions:
Hereditary nonpolyposis colorectal neoplasms. Identifiers: MedGen C0009405, MeSH D003123.

Submission:

Labcorp Genetics (formerly Invitae), Labcorp
Classification: Uncertain significance for Hereditary nonpolyposis colorectal neoplasms. Last evaluated: 2018-09-06. Review status: criteria provided, single submitter. Criteria: Invitae Variant Classification Sherloc (09022015). Collection method: clinical testing. Allele origin: germline.
Comment: This variant is not present in population databases (ExAC no frequency). This variant has not been reported in the literature in individuals with MSH6-related disease. Algorithms developed to predict the effect of missense changes on protein structure and function (SIFT, PolyPhen-2, Align-GVGD) all suggest that this variant is likely to be disruptive, but these predictions have not been confirmed by published functional studies and their clinical significance is uncertain. In summary, the available evidence is currently insufficient to determine the role of this variant in disease. Therefore, it has been classified as a Variant of Uncertain Significance. This sequence change replaces glutamic acid with lysine at codon 512 of the MSH6 protein (p.Glu512Lys). The glutamic acid residue is highly conserved and there is a small physicochemical difference between glutamic acid and lysine.

NM_000179.3(MSH6):c.1534G>A (p.Glu512Lys)

Gene: MSH6 (mutS homolog 6; plus strand). Cytogenetic location: 2p16.3.
Variant type: single nucleotide variant.
Coding change: c.1534G>A on transcript NM_000179.3 (MANE Select); coding-DNA position 1534, G replaced by A.
Protein change: p.Glu512Lys; replaces glutamic acid 512 with lysine.
Molecular consequence: missense variant.
Genome position (GRCh38, 1-based): chr2:47,799,517, G>A. VCF-style: chr2-47799517-G-A. GRCh37 (hg19) VCF-style: chr2-48026656-G-A.
Other names: c.1144G>A, p.Glu382Lys (NM_001281492.2); c.628G>A, p.Glu210Lys (NM_001281493.2, NM_001281494.2); short protein forms E382K, E512K, E210K.
Identifiers: ClinVar variation 653724 (VCV000653724.9), dbSNP rs1572723342, ClinGen allele CA346746526.
Genomic context (GRCh38, chr2:47,799,517, plus strand): 5'-ATGGAGGCACGATGTAGAAAGATGGCACATATATCCAAGTATGATAGAGTGGTGAGGAGG[G>A]AGATCTGTAGGATCATTACCAAGGGTACACAGACTTACAGTGTGCTGGAAGGTGATCCCT-3'
Protein context (NP_000170.1, residues 502-522): ISKYDRVVRR[Glu512Lys]ICRIITKGTQ